The following is an entry in ClinVar:

ClinVar aggregate classification (germline): Uncertain significance (1 of 4 stars; one submission).

Conditions:
Inflammatory skin and bowel disease, neonatal, 1. Identifiers: Orphanet 294023, MedGen C3280501, MONDO:0013693, OMIM 614328.

Allele frequency attached by ClinVar (database versions not stated): gnomAD 0.00001; TOPMed 0.00001.
gnomAD v4.1: 6 of 1,588,132 alleles (0.00038%); highest among the groups gnomAD compares: African/African-American, 0.0013%; no homozygotes.

Submission:

Labcorp Genetics (formerly Invitae), Labcorp
Classification: Uncertain significance for Inflammatory skin and bowel disease, neonatal, 1. Last evaluated: 2022-02-22. Review status: criteria provided, single submitter. Criteria: Invitae Variant Classification Sherloc (09022015). Collection method: clinical testing. Allele origin: germline.
Comment: In summary, the available evidence is currently insufficient to determine the role of this variant in disease. Therefore, it has been classified as a Variant of Uncertain Significance. Algorithms developed to predict the effect of missense changes on protein structure and function output the following: SIFT: "Not Available"; PolyPhen-2: "Benign"; Align-GVGD: "Not Available". The valine amino acid residue is found in multiple mammalian species, which suggests that this missense change does not adversely affect protein function. This variant has not been reported in the literature in individuals affected with ADAM17-related conditions. This variant is present in population databases (no rsID available, gnomAD 0.005%). This sequence change replaces leucine, which is neutral and non-polar, with valine, which is neutral and non-polar, at codon 5 of the ADAM17 protein (p.Leu5Val).

NM_003183.6(ADAM17):c.13C>G (p.Leu5Val)

Gene: ADAM17 (ADAM metallopeptidase domain 17; minus strand). Cytogenetic location: 2p25.1.
Variant type: single nucleotide variant.
Coding change: c.13C>G on transcript NM_003183.6 (MANE Select); coding-DNA position 13, C replaced by G.
Protein change: p.Leu5Val; replaces leucine 5 with valine.
Molecular consequence: missense variant. On other transcripts: 5 prime UTR variant (2).
Genome position (GRCh38, 1-based): chr2:9,555,593, G>C on the plus strand (C>G on the coding strand, the complement: ADAM17 is on the minus strand). VCF-style: chr2-9555593-G-C. GRCh37 (hg19) VCF-style: chr2-9695722-G-C.
Other names: c.-668C>G (NM_001382777.1); c.-910C>G (NM_001382778.1); short protein forms L5V.
Identifiers: ClinVar variation 2101848 (VCV002101848.4), dbSNP rs945506316, ClinGen allele CA42399368.
Genomic context (GRCh38, chr2:9,555,593, plus strand): 5'-CCGGGTCATCCGGAGGTCGCGGCGCCAGCACGAAAGGAACCACGCTGGTCAGGAATAGGA[G>C]AGACTGCCTCATGTTCCCGGCCCCGCTACCGACTCCACCTCTCTGGGCAGCCTTCGCCTG-3'
Protein context (NP_003174.3, residues 1-15): MRQS[Leu5Val]LFLTSVVPFV